The following is an entry in ClinVar:

ClinVar aggregate classification (germline): Uncertain significance (1 of 4 stars; one submission).

Conditions:
Dystonic disorder. Also called: Dystonia. Identifiers: MedGen C0013421, MONDO:0003441, HP:0001332.

Submission:

Labcorp Genetics (formerly Invitae), Labcorp
Classification: Uncertain significance for Dystonic disorder. Last evaluated: 2021-09-14. Review status: criteria provided, single submitter. Criteria: Invitae Variant Classification Sherloc (09022015). Collection method: clinical testing. Allele origin: germline.
Comment: This sequence change replaces methionine with arginine at codon 374 of the DRD2 protein (p.Met374Arg). The methionine residue is highly conserved and there is a moderate physicochemical difference between methionine and arginine. This variant is not present in population databases (ExAC no frequency). This variant has not been reported in the literature in individuals affected with DRD2-related conditions. Algorithms developed to predict the effect of missense changes on protein structure and function (SIFT, PolyPhen-2, Align-GVGD) all suggest that this variant is likely to be disruptive. In summary, the available evidence is currently insufficient to determine the role of this variant in disease. Therefore, it has been classified as a Variant of Uncertain Significance.

NM_000795.4(DRD2):c.1121T>G (p.Met374Arg)

Gene: DRD2 (dopamine receptor D2; minus strand). Cytogenetic location: 11q23.2.
Variant type: single nucleotide variant.
Coding change: c.1121T>G on transcript NM_000795.4 (MANE Select); coding-DNA position 1121, T replaced by G.
Protein change: p.Met374Arg; replaces methionine 374 with arginine.
Molecular consequence: missense variant.
Genome position (GRCh38, 1-based): chr11:113,412,573, A>C on the plus strand (T>G on the coding strand, the complement: DRD2 is on the minus strand). VCF-style: chr11-113412573-A-C. GRCh37 (hg19) VCF-style: chr11-113283295-A-C.
Other names: c.1034T>G, p.Met345Arg (NM_016574.4); short protein forms M374R, M345R.
Identifiers: ClinVar variation 1380958 (VCV001380958.6), dbSNP rs2138156316, ClinGen allele CA382649494.
Genomic context (GRCh38, chr11:113,412,573, plus strand): 5'-CTTTCACAGACCGGGCTGTGGCCAGCAGCCAGGGCCGACTCACCGAGAACAATGGCGAGC[A>C]TCTGAGTGGCTTTCTTCTCCTTCTGCTGGGAGAGCTTCCTACGGCTCATGGTCTTGAGGG-3'
Protein context (NP_000786.1, residues 364-384): SQQKEKKATQ[Met374Arg]LAIVLGVFII